The following is an entry in ClinVar:

ClinVar aggregate classification (germline): Uncertain significance (1 of 4 stars; one submission).

Allele frequency attached by ClinVar (database versions not stated): gnomAD exomes below 0.00001; TOPMed below 0.00001; ExAC 0.00001.
gnomAD v4.1: 1 of 1,608,326 alleles (0.000062%); highest among the groups gnomAD compares: Admixed American, 0.0017%; no homozygotes.

Submission:

Labcorp Genetics (formerly Invitae), Labcorp
Classification: Uncertain significance. Last evaluated: 2022-09-09. Review status: criteria provided, single submitter. Criteria: Invitae Variant Classification Sherloc (09022015). Collection method: clinical testing. Allele origin: germline.
Comment: In summary, the available evidence is currently insufficient to determine the role of this variant in disease. Therefore, it has been classified as a Variant of Uncertain Significance. Advanced modeling of protein sequence and biophysical properties (such as structural, functional, and spatial information, amino acid conservation, physicochemical variation, residue mobility, and thermodynamic stability) performed at Invitae indicates that this missense variant is not expected to disrupt DDX58 protein function. This variant has not been reported in the literature in individuals affected with DDX58-related conditions. This variant is not present in population databases (gnomAD no frequency). This sequence change replaces glycine, which is neutral and non-polar, with arginine, which is basic and polar, at codon 649 of the DDX58 protein (p.Gly649Arg).

NM_014314.4(RIGI):c.1945G>A (p.Gly649Arg)

Gene: RIGI (RNA sensor RIG-I; minus strand). Cytogenetic location: 9p21.1.
Variant type: single nucleotide variant.
Coding change: c.1945G>A on transcript NM_014314.4 (MANE Select); coding-DNA position 1945, G replaced by A.
Protein change: p.Gly649Arg; replaces glycine 649 with arginine.
Molecular consequence: missense variant.
Genome position (GRCh38, 1-based): chr9:32,473,044, C>T on the plus strand (G>A on the coding strand, the complement: RIGI is on the minus strand). VCF-style: chr9-32473044-C-T. GRCh37 (hg19) VCF-style: chr9-32473042-C-T.
Other names: c.1939G>A, p.Gly647Arg (NM_001385907.1); c.1945G>A, p.Gly649Arg (NM_001385909.1); c.1504G>A, p.Gly502Arg (NM_001385910.1); c.1336G>A, p.Gly446Arg (NM_001385912.1); c.1930G>A, p.Gly644Arg (NM_001385913.1); c.1501G>A, p.Gly501Arg (NM_001385914.1); short protein forms G446R, G501R, G649R, G502R, G644R, G647R.
Identifiers: ClinVar variation 2121222 (VCV002121222.4), dbSNP rs757222458, ClinGen allele CA5019621.
Genomic context (GRCh38, chr9:32,473,044, plus strand): 5'-GATTTGTTTTGCCACGTCCAGTCAATATGCCAGGTTTTAGAAAACTGAGTTTAGGATTTC[C>T]TTCAATCCAATTTTTTAAAGCCTGAAAATGAAAAGCAATTATCAATTGGACACTCCTTAT-3'
Protein context (NP_055129.2, residues 639-659): LVDALKNWIE[Gly649Arg]NPKLSFLKPG